The following is an entry in ClinVar:

ClinVar aggregate classification (germline): Uncertain significance (1 of 4 stars; one submission).

Submission:

Labcorp Genetics (formerly Invitae), Labcorp
Classification: Uncertain significance. Last evaluated: 2023-10-13. Review status: criteria provided, single submitter. Criteria: Invitae Variant Classification Sherloc (09022015). Collection method: clinical testing. Allele origin: germline.
Comment: This sequence change replaces methionine, which is neutral and non-polar, with arginine, which is basic and polar, at codon 1354 of the PIEZO1 protein (p.Met1354Arg). This variant is not present in population databases (gnomAD no frequency). This variant has not been reported in the literature in individuals affected with PIEZO1-related conditions. An algorithm developed to predict the effect of missense changes on protein structure and function (PolyPhen-2) suggests that this variant is likely to be disruptive. In summary, the available evidence is currently insufficient to determine the role of this variant in disease. Therefore, it has been classified as a Variant of Uncertain Significance.

NM_001142864.4(PIEZO1):c.4061T>G (p.Met1354Arg)

Gene: PIEZO1 (piezo type mechanosensitive ion channel component 1 (Er blood group); minus strand). Cytogenetic location: 16q24.3.
Variant type: single nucleotide variant.
Coding change: c.4061T>G on transcript NM_001142864.4 (MANE Select); coding-DNA position 4061, T replaced by G.
Protein change: p.Met1354Arg; replaces methionine 1354 with arginine.
Molecular consequence: missense variant.
Genome position (GRCh38, 1-based): chr16:88,725,517, A>C on the plus strand (T>G on the coding strand, the complement: PIEZO1 is on the minus strand). VCF-style: chr16-88725517-A-C. GRCh37 (hg19) VCF-style: chr16-88791925-A-C.
Other names: c.2603T>G, p.Met868Arg (NM_014745.1); short protein forms M868R, M1354R.
Identifiers: ClinVar variation 2768032 (VCV002768032.3), dbSNP rs1904358365, ClinGen allele CA397100643.